The following is an entry in ClinVar:

ClinVar aggregate classification (germline): Likely pathogenic. Review status: reviewed by expert panel (3 of 4 stars). 4 submissions from 4 submitters: Likely pathogenic (1). 3 of the submissions do not count toward it. Last evaluated 2025-10-07.

Conditions:
Metaphyseal chondrodysplasia, McKusick type (CHH). Also called: Cartilage-Hair Hypoplasia (CHH); Cartilage-hair hypoplasia. Identifiers: Orphanet 175, MedGen C0220748, MONDO:0009595, OMIM 250250.
Anauxetic dysplasia. Identifiers: Orphanet 93347, MedGen C1846796, MONDO:0011773.

Allele frequency attached by ClinVar (database versions not stated): gnomAD exomes below 0.00001.

Submissions (4):

ClinGen Severe Combined Immunodeficiency Variant Curation Expert Panel, ClinGen
Classification: Likely pathogenic for Metaphyseal chondrodysplasia, McKusick type. Last evaluated: 2025-10-07. Review status: reviewed by expert panel. Criteria: ClinGen SCID ACMG Specifications RMRP V1.2.0. Collection method: curation. Allele origin: germline. Inheritance: Autosomal recessive inheritance.
Comment: The variant NC_000009.12:g.35658017_35658038dup in RMPR, known as NR_003051.3: n.-20_2dup, is present in gnomAD v.4.1.0 at a Total allele frequency of 0.000001448, and MAF of 0.000002653 in non-Finnish European subgroup, which are both lower than the PM2_supporting threshold 0.0000447. Therefore, the PM2_supporting is met. This variant falls in the 5´ region, increasing the distance between the TATA box and the transcription start site (n.4). Therefore, it meets PM1_Strong. This variant creates an extension of more than 6 nucleotides, increasing the distance between the TATA box (spanning n.-32 to n.-24) and the transcription start site (n.4), therefore PM4 is met. To date, no phenotype is associated with this variant; therefore, PP4 was not evaluated. In summary, this variant meets the criteria to be classified as Likely Pathogenic for Autosomal recessive Cartilage Hair Hypoplasia based on the ACMG/AMP criteria applied, as specified by the ClinGen SCID VCEP: PM1_Strong, PM4 and PM2_Supporting (VCEP specifications version 1).

Natera, Inc.
Classification: Likely pathogenic for Cartilage-hair hypoplasia. Last evaluated: 2025-12-19. Review status: criteria provided, single submitter. Criteria: Natera Variant Classification Schema (03/2026). Collection method: clinical testing. Allele origin: germline. Not counted in ClinVar's aggregate classification.
Comment: The n.-20_2dup variant in RMRP, also known as NC_000009.11:g.35658014_35658035dup, is a duplication affecting the RMRP promoter region between the TATA box and the transcription initiation site. Other duplications and insertions just upstream of the transcription initiation site have been reported in individuals affected with cartilage-hair hypoplasia (PMID: 11207361, 17937437). This variant is rare in the general population with a frequency below the threshold expected for the associated phenotype(s). Given the available evidence, this variant is classified as Likely Pathogenic.

Women's Health and Genetics/Laboratory Corporation of America, LabCorp
Classification: Likely pathogenic for Metaphyseal chondrodysplasia, McKusick type. Last evaluated: 2024-07-29. Review status: criteria provided, single submitter. Criteria: LabCorp Variant Classification Summary - May 2015. Collection method: clinical testing. Allele origin: germline. Not counted in ClinVar's aggregate classification.
Comment: Variant summary: RMRP n.-20_2dup22 involves the duplication of 22 nucleotides in the promoter region of RMRP. Other insertions or duplications in the promoter region of RMRP have been classified as pathogenic (internally and in ClinVar). The variant allele was found at a frequency of 1.5e-06 in 686862 control chromosomes gnomAD v4.1 dataset). The available data on variant occurrences in the general population are insufficient to allow any conclusion about variant significance. To our knowledge, no occurrence of n.-20_2dup22 in individuals affected with Cartilage-Hair Hypoplasia and no experimental evidence demonstrating its impact on RNA function have been reported. However, many other insertions or duplications in the promoter region of RMRP have been reported in affected individuals in the literature (e.g. PMIDs: 21956908, 21396580) and have been demonstrated through functional studies to lead to reduced RMRP transcription (e.g. PMIDs: 11207361, 16254002, 17937437). ClinVar contains an entry for this variant (Variation ID: 660541). Based on the evidence outlined above, the variant was classified as likely pathogenic.

Labcorp Genetics (formerly Invitae), Labcorp
Classification: Pathogenic for Anauxetic dysplasia. Last evaluated: 2023-12-25. Review status: criteria provided, single submitter. Criteria: Invitae Variant Classification Sherloc (09022015). Collection method: clinical testing. Allele origin: germline. Not counted in ClinVar's aggregate classification.
Comment: This variant occurs in the RMRP gene, which encodes an RNA molecule that does not result in a protein product. This variant is not present in population databases (gnomAD no frequency). While this particular variant has not been reported in the literature, it is located in the promoter region between the TATA box and the transcription initiation site, and other insertions and duplications immediately upstream of the coding sequence have been reported in individuals affected with cartilage-hair hypoplasia-anauxetic dysplasia (CHH-AD) spectrum disorders (PMID: 16244706, 11207361, 12107819). ClinVar contains an entry for this variant (Variation ID: 660541). While functional studies for this variant have not been reported, experimental analyses using patient derived cells, as well as in vitro transfection studies, have shown that promoter insertions result in silencing of RMRP transcription and reduced expression of the gene product (PMID: 11207361, 16254002). For these reasons, this variant has been classified as Pathogenic.

Literature cited by the submitters: PubMed 11207361 (cited by Natera, Inc. and Labcorp Genetics (formerly Invitae), Labcorp); PubMed 17937437 (cited by Natera, Inc.); PubMed 16244706 (cited by Labcorp Genetics (formerly Invitae), Labcorp); PubMed 12107819 (cited by Labcorp Genetics (formerly Invitae), Labcorp); PubMed 16254002 (cited by Labcorp Genetics (formerly Invitae), Labcorp).

NC_000009.12:g.35658017_35658038dup

Gene: RMRP (RNA component of mitochondrial RNA processing endoribonuclease; minus strand). Cytogenetic location: 9p13.3.
Variant type: Duplication.
Genome position: GRCh38 VCF-style: chr9-35658016-A-ACCACGTCCTCAGCTTCACAGAG. GRCh37 (hg19) VCF-style: chr9-35658013-A-ACCACGTCCTCAGCTTCACAGAG.
Other names: NR_003051.3(RMRP):n.-20_2dup.
Identifiers: ClinVar variation 660541 (VCV000660541.9), dbSNP rs1587919053, ClinGen allele CA915947439.
Genomic context (GRCh38, chr9:35,658,016, plus strand): 5'-GCGGAAAGGGGAGGAACAGAGTCCTCAGTGTGTAGCCTAGGATACAGGCCTTCAGCACGA[A>ACCACGTCCTCAGCTTCACAGAG]CCACGTCCTCAGCTTCACAGAGTAGTATTTTATAGCCCTAAAGAAATTGTGTTTTATGAT-3'